The following is an entry in ClinVar:

ClinVar aggregate classification (germline): Likely pathogenic (1 of 4 stars; one submission).
ClinVar aggregate classification (oncogenicity): Uncertain significance (1 of 4 stars; one submission).

Conditions:
Familial thoracic aortic aneurysm and aortic dissection (TAAD). Also called: Thoracic aortic aneurysms and dissections. Identifiers: Orphanet 91387, MedGen C4707243, MONDO:0019625.
Neoplasm. Also called: tumor; Neoplasms; Neoplasm (disease). Identifiers: MedGen C0027651, MeSH D009369, MONDO:0005070, HP:0002664.

gnomAD v4.1: 3 of 1,612,538 alleles (0.00019%); highest among the groups gnomAD compares: Non-Finnish European, 0.00025%; no homozygotes.

Submissions (2):

Center for Genomic Medicine, Rigshospitalet, Copenhagen University Hospital
Classification: Uncertain significance for Neoplasm. Last evaluated: 2025-12-29. Review status: criteria provided, single submitter. Criteria: ClinGen/CGC/VICC Guidelines for Oncogenicity, 2022. Collection method: clinical testing. Allele origin: somatic. Affected: yes.

Labcorp Genetics (formerly Invitae), Labcorp
Classification: Likely pathogenic for Familial thoracic aortic aneurysm and aortic dissection. Last evaluated: 2025-07-30. Review status: criteria provided, single submitter. Criteria: Invitae Variant Classification Sherloc (09022015). Collection method: clinical testing. Allele origin: germline.
Comment: This sequence change affects a donor splice site in intron 4 of the TGFBR1 gene. It is expected to disrupt RNA splicing. Variants that disrupt the donor or acceptor splice site typically lead to a loss of protein function (PMID: 16199547), and loss-of-function variants in TGFBR1 are known to be pathogenic (PMID: 21358634). This variant is not present in population databases (gnomAD no frequency). This variant has not been reported in the literature in individuals affected with TGFBR1-related conditions. Algorithms developed to predict the effect of sequence changes on RNA splicing suggest that this variant may disrupt the consensus splice site. In summary, the currently available evidence indicates that the variant is pathogenic, but additional data are needed to prove that conclusively. Therefore, this variant has been classified as Likely Pathogenic.

Literature cited by the submitters: PubMed 16199547 (cited by Labcorp Genetics (formerly Invitae), Labcorp); PubMed 21358634 (cited by Labcorp Genetics (formerly Invitae), Labcorp).

NM_004612.4(TGFBR1):c.805+1G>A

Gene: TGFBR1 (transforming growth factor beta receptor 1; plus strand). Cytogenetic location: 9q22.33.
Variant type: single nucleotide variant.
Coding change: c.805+1G>A on transcript NM_004612.4 (MANE Select); the canonical splice donor site of the intron after coding-DNA position 805, G replaced by A.
Molecular consequence: splice donor variant. On other transcripts: intron variant (2).
Genome position (GRCh38, 1-based): chr9:99,138,090, G>A. VCF-style: chr9-99138090-G-A. GRCh37 (hg19) VCF-style: chr9-101900372-G-A.
Other names: c.610+1G>A (NM_001407418.1, NM_001407419.1, NM_001407422.1 and 1 more transcripts); c.598+1G>A (NM_001407423.1, NM_001407424.1, NM_001407425.1 and 8 more transcripts); c.817+1G>A (NM_001306210.2, NM_001407416.1); c.805+1G>A (NM_001407417.1); c.575-4446G>A (NM_001407435.1); c.574+1G>A (NM_001130916.3); c.559+1G>A (NM_001407436.1); c.328+1G>A (NM_001407438.1); and 1 more.
Identifiers: ClinVar variation 4539653 (VCV004539653.2).